The following is an entry in ClinVar:

NM_001005498.4(RHBDF2):c.1232T>C (p.Leu411Pro)

Gene: RHBDF2 (rhomboid 5 homolog 2; minus strand). Cytogenetic location: 17q25.1.
Variant type: single nucleotide variant.
Coding change: c.1232T>C on transcript NM_001005498.4 (MANE Select); coding-DNA position 1232, T replaced by C.
Protein change: p.Leu411Pro; replaces leucine 411 with proline.
Molecular consequence: missense variant. On other transcripts: non-coding transcript variant (3).
Genome position (GRCh38, 1-based): chr17:76,474,800, A>G on the plus strand (T>C on the coding strand, the complement: RHBDF2 is on the minus strand). VCF-style: chr17-76474800-A-G. GRCh37 (hg19) VCF-style: chr17-74470882-A-G.
Other names: c.1232T>C, p.Leu411Pro (NM_001376228.1, NM_001376229.1, NM_001376230.1); c.1319T>C, p.Leu440Pro (NM_024599.5); short protein forms L440P, L411P.
Identifiers: ClinVar variation 3674670 (VCV003674670.5).
Genomic context (GRCh38, chr17:76,474,800, plus strand): 5'-CCAACCCAGAAGTTCTCCTGCTGGATGTACTTCACGCTCTCGTACACACCTTTGTTCCGC[A>G]GCACCTATCGTGGAGGTAGCACAGAGGAGGGCGTCAGAACAGTGTGGGCCCTGGGCATGG-3'
Protein context (NP_001005498.2, residues 401-421): FAQHVTTQLV[Leu411Pro]RNKGVYESVK

ClinVar aggregate classification (germline): Uncertain significance. Review status: criteria provided, multiple submitters, no conflicts (2 of 4 stars). 3 submissions from 3 submitters: Uncertain significance (3). Last evaluated 2026-03-24.

gnomAD v4.1: 2 of 1,613,942 alleles (0.00012%); highest among the groups gnomAD compares: Non-Finnish European, 0.00017%; no homozygotes.

Submissions (3):

Dasa
Classification: Uncertain significance. Last evaluated: 2026-03-24. Review status: criteria provided, single submitter. Criteria: DASA Assertion Criteria. Collection method: clinical testing. Allele origin: germline.
Comment: NM_001005498.4(RHBDF2):c.1232T>C (p.Leu411Pro) is a missense variant that results in the substitution of leucine with proline. This variant is rare in population databases. Computational prediction algorithms are consistent with a deleterious effect. The currently available literature and clinical evidence are not sufficient to establish a definitive association between this variant and the reported condition. Therefore, this variant is classified as a variant of uncertain significance.

Labcorp Genetics (formerly Invitae), Labcorp
Classification: Uncertain significance. Last evaluated: 2024-04-10. Review status: criteria provided, single submitter. Criteria: Invitae Variant Classification Sherloc (09022015). Collection method: clinical testing. Allele origin: germline.
Comment: This sequence change replaces leucine, which is neutral and non-polar, with proline, which is neutral and non-polar, at codon 440 of the RHBDF2 protein (p.Leu440Pro). This variant is not present in population databases (gnomAD no frequency). This variant has not been reported in the literature in individuals affected with RHBDF2-related conditions. An algorithm developed to predict the effect of missense changes on protein structure and function (PolyPhen-2) suggests that this variant is likely to be disruptive. In summary, the available evidence is currently insufficient to determine the role of this variant in disease. Therefore, it has been classified as a Variant of Uncertain Significance.

Blueprint Genetics
Classification: Uncertain significance. Last evaluated: 2024-02-13. Review status: criteria provided, single submitter. Criteria: ACMG Guidelines, 2015. Collection method: clinical testing. Allele origin: germline.